The following is an entry in ClinVar:

ClinVar aggregate classification (germline): Uncertain significance. Review status: criteria provided, multiple submitters, no conflicts (2 of 4 stars). 2 submissions from 2 submitters: Uncertain significance (2). Last evaluated 2025-12-16.

Conditions:
IRF7-related disorder. Also called: IRF7-related condition.
Immunodeficiency 39 (IMD39). Identifiers: Orphanet 574918, MedGen C4225358, MONDO:0014597, OMIM 616345.

Allele frequency attached by ClinVar (database versions not stated): TOPMed 0.00006; gnomAD 0.00008 and 0.00009.
gnomAD v4.1: 441 of 1,606,312 alleles (0.027%); highest among the groups gnomAD compares: Non-Finnish European, 0.036%; no homozygotes.

Submissions (2):

Labcorp Genetics (formerly Invitae), Labcorp
Classification: Uncertain significance for Immunodeficiency 39. Last evaluated: 2025-12-16. Review status: criteria provided, single submitter. Criteria: Invitae Variant Classification Sherloc (09022015). Collection method: clinical testing. Allele origin: germline.
Comment: This sequence change replaces alanine, which is neutral and non-polar, with proline, which is neutral and non-polar, at codon 264 of the IRF7 protein (p.Ala264Pro). This variant is present in population databases (no rsID available, gnomAD 0.004%). This variant has not been reported in the literature in individuals affected with IRF7-related conditions. ClinVar contains an entry for this variant (Variation ID: 542690). An algorithm developed to predict the effect of missense changes on protein structure and function outputs the following: PolyPhen-2: "Benign". The proline amino acid residue is found in multiple mammalian species, which suggests that this missense change does not adversely affect protein function. In summary, the available evidence is currently insufficient to determine the role of this variant in disease. Therefore, it has been classified as a Variant of Uncertain Significance.

PreventionGenetics, part of Exact Sciences
Classification: Uncertain significance for IRF7-related condition. Last evaluated: 2022-11-07. Review status: criteria provided, single submitter. Criteria: ACMG Guidelines, 2015. Collection method: clinical testing. Allele origin: germline.
Comment: The IRF7 c.790G>C variant is predicted to result in the amino acid substitution p.Ala264Pro. This variant was reported in an individual with juvenile idiopathic arthritis (Supplemental Table S6, Meng et al. 2021. PubMed ID: 33408077). This variant is reported in 0.0044% of alleles in individuals of African descent in gnomAD. At this time, the clinical significance of this variant is uncertain due to the absence of conclusive functional and genetic evidence.

NM_001572.5(IRF7):c.751G>C (p.Ala251Pro)

Gene: IRF7 (interferon regulatory factor 7; minus strand). Cytogenetic location: 11p15.5.
Variant type: single nucleotide variant.
Coding change: c.751G>C on transcript NM_001572.5 (MANE Select); coding-DNA position 751, G replaced by C.
Protein change: p.Ala251Pro; replaces alanine 251 with proline.
Molecular consequence: missense variant. On other transcripts: intron variant (1).
Genome position (GRCh38, 1-based): chr11:613,966, C>G on the plus strand (G>C on the coding strand, the complement: IRF7 is on the minus strand). VCF-style: chr11-613966-C-G. GRCh37 (hg19) VCF-style: chr11-613966-C-G.
Other names: c.751G>C, p.Ala251Pro (LRG_1313t1); c.790G>C, p.Ala264Pro (NM_004031.4); c.680-101G>C (NM_004029.4); short protein forms A251P, A264P.
Identifiers: ClinVar variation 542690 (VCV000542690.12), dbSNP rs888494437, ClinGen allele CA216911472.